The following is an entry in ClinVar:

NM_001077350.3(NPRL3):c.116C>A (p.Thr39Lys)

Genes: HBA-LCR (alpha-globin locus control region; plus strand), NPRL3 (NPR3 like, GATOR1 complex subunit; minus strand). Cytogenetic location: 16p13.3.
Variant type: single nucleotide variant.
Coding change: c.116C>A on transcript NM_001077350.3 (MANE Select); coding-DNA position 116, C replaced by A.
Protein change: p.Thr39Lys; replaces threonine 39 with lysine.
Molecular consequence: missense variant. On other transcripts: 5 prime UTR variant (2).
Genome position (GRCh38, 1-based): chr16:138,152, G>T on the plus strand (C>A on the coding strand, the complement: NPRL3 is on the minus strand). VCF-style: chr16-138152-G-T. GRCh37 (hg19) VCF-style: chr16-188151-G-T.
Other names: c.-217C>A (NM_001039476.3); c.-256C>A (NM_001243247.2); c.116C>A, p.Thr39Lys (NM_001243248.2, NM_001243249.2); short protein forms T39K.
Identifiers: ClinVar variation 2108597 (VCV002108597.4), dbSNP rs2505378583, ClinGen allele CA393999478.
Genomic context (GRCh38, chr16:138,152, plus strand): 5'-CGACCCCGGAATGAGGCGGCCCCCGCGAGCGCCAGGCCCCCGCCCAGCGCTCACTTACTT[G>T]TCTGGGACGCCGGGTGCTCCTGGCTTCTCTGGAAGGGGTACCTGAACAGCAGCTTATTGC-3'
Protein context (NP_001070818.1, residues 29-49): QRSQEHPASQ[Thr39Lys]SKPRSRYAAS

ClinVar aggregate classification (germline): Uncertain significance (1 of 4 stars; one submission).

Conditions:
Epilepsy, familial focal, with variable foci 3 (FFEVF3). Identifiers: MedGen C4310708, MONDO:0014925, OMIM 617118.

Submission:

Labcorp Genetics (formerly Invitae), Labcorp
Classification: Uncertain significance for Epilepsy, familial focal, with variable foci 3. Last evaluated: 2023-09-20. Review status: criteria provided, single submitter. Criteria: Invitae Variant Classification Sherloc (09022015). Collection method: clinical testing. Allele origin: germline.
Comment: In summary, the available evidence is currently insufficient to determine the role of this variant in disease. Therefore, it has been classified as a Variant of Uncertain Significance. Experimental studies and prediction algorithms are not available or were not evaluated, and the functional significance of this variant is currently unknown. ClinVar contains an entry for this variant (Variation ID: 2108597). This variant has not been reported in the literature in individuals affected with NPRL3-related conditions. This variant is not present in population databases (gnomAD no frequency). This sequence change replaces threonine, which is neutral and polar, with lysine, which is basic and polar, at codon 39 of the NPRL3 protein (p.Thr39Lys).